The following is an entry in ClinVar:

ClinVar aggregate classification (germline): Pathogenic (1 of 4 stars; one submission).

Submission:

Labcorp Genetics (formerly Invitae), Labcorp
Classification: Pathogenic. Last evaluated: 2019-11-25. Review status: criteria provided, single submitter. Criteria: Invitae Variant Classification Sherloc (09022015). Collection method: clinical testing. Allele origin: germline.
Comment: This sequence change creates a premature translational stop signal (p.Glu126*) in the FH gene. It is expected to result in an absent or disrupted protein product. This variant is not present in population databases (ExAC no frequency). This variant has not been reported in the literature in individuals with FH-related conditions. Loss-of-function variants in FH are known to be pathogenic (PMID: 11865300, 21398687). For these reasons, this variant has been classified as Pathogenic.

Literature cited by the submitters: PubMed 11865300; PubMed 21398687.

NM_000143.4(FH):c.376G>T (p.Glu126Ter)

Gene: FH (fumarate hydratase; minus strand). Cytogenetic location: 1q43.
Variant type: single nucleotide variant.
Coding change: c.376G>T on transcript NM_000143.4 (MANE Select); coding-DNA position 376, G replaced by T.
Protein change: p.Glu126Ter; replaces glutamic acid 126 with a stop codon.
Molecular consequence: nonsense.
Genome position (GRCh38, 1-based): chr1:241,513,605, C>A on the plus strand (G>T on the coding strand, the complement: FH is on the minus strand). VCF-style: chr1-241513605-C-A. GRCh37 (hg19) VCF-style: chr1-241676905-C-A.
Other names: short protein forms E126*.
Identifiers: ClinVar variation 841019 (VCV000841019.8), dbSNP rs1660143834, ClinGen allele CA345440420.